The following is an entry in ClinVar:

NM_138420.4(AHNAK2):c.3525G>A (p.Ala1175=)

Gene: AHNAK2 (AHNAK nucleoprotein 2; minus strand). Cytogenetic location: 14q32.33.
Variant type: single nucleotide variant.
Coding change: c.3525G>A on transcript NM_138420.4 (MANE Select); coding-DNA position 3525, G replaced by A.
Protein change: p.Ala1175=; no amino-acid change (alanine 1175 retained).
Molecular consequence: synonymous variant.
Genome position (GRCh38, 1-based): chr14:104,951,926, C>T on the plus strand (G>A on the coding strand, the complement: AHNAK2 is on the minus strand). VCF-style: chr14-104951926-C-T. GRCh37 (hg19) VCF-style: chr14-105418263-C-T.
Other names: c.3225G>A, p.Ala1075= (NM_001350929.2).
Identifiers: ClinVar variation 2644850 (VCV002644850.24), dbSNP rs767505468, ClinGen allele CA7382969.

ClinVar aggregate classification (germline): Likely benign (1 of 4 stars; one submission).

Allele frequency attached by ClinVar (database versions not stated): 1000 Genomes Project 30x 0.00234; gnomAD 0.00289.

Submission:

CeGaT Center for Human Genetics Tuebingen
Classification: Likely benign. Last evaluated: 2026-07-01. Review status: criteria provided, single submitter. Criteria: CeGaT Center For Human Genetics Tuebingen Variant Classification Criteria Version 2. Collection method: clinical testing. Allele origin: germline. Affected: yes. Observed: 3 variant alleles.
Comment: AHNAK2: BP4, BP7, BS2